The following is an entry in ClinVar:

ClinVar aggregate classification (germline): Uncertain significance (1 of 4 stars; one submission).

Conditions:
Cardiovascular phenotype. Identifiers: MedGen CN230736.

gnomAD v4.1: 4 of 1,614,136 alleles (0.00025%); highest among the groups gnomAD compares: Non-Finnish European, 0.00034%; no homozygotes.

Submission:

Ambry Genetics
Classification: Uncertain significance for Cardiovascular phenotype. Last evaluated: 2026-08-29. Review status: criteria provided, single submitter. Criteria: Ambry Variant Classification Scheme 2023. Collection method: clinical testing. Allele origin: germline.
Comment: The p.D85G variant (also known as c.254A>G), located in coding exon 2 of the MYH6 gene, results from an A to G substitution at nucleotide position 254. The aspartic acid at codon 85 is replaced by glycine, an amino acid with similar properties. This amino acid position is conserved. In addition, the in silico prediction for this alteration is inconclusive. Based on the available evidence, the clinical significance of this variant remains unclear.

NM_002471.4(MYH6):c.254A>G (p.Asp85Gly)

Genes: MYH6 (myosin heavy chain 6; minus strand), LOC114827851 (VISTA enhancer hs2155; plus strand). Cytogenetic location: 14q11.2.
Variant type: single nucleotide variant.
Coding change: c.254A>G on transcript NM_002471.4 (MANE Select); coding-DNA position 254, A replaced by G.
Protein change: p.Asp85Gly; replaces aspartic acid 85 with glycine.
Molecular consequence: missense variant.
Genome position (GRCh38, 1-based): chr14:23,405,718, T>C on the plus strand (A>G on the coding strand, the complement: MYH6 is on the minus strand). VCF-style: chr14-23405718-T-C. GRCh37 (hg19) VCF-style: chr14-23874927-T-C.
Other names: short protein forms D85G.
Identifiers: ClinVar variation 5025145 (VCV005025145.1).
Genomic context (GRCh38, chr14:23,405,718, plus strand): 5'-AGGTTGAAAAGCACCGCGGGCTCGTGCAGGAAGGTCAGCATGGCCATGTCCTCAATCTTG[T>C]CGAACTTGGGTGGGTTCTGCTGCAACACCTGGTCCTCCTTCACAGTCACCGTCTGGAGGG-3'
Protein context (NP_002462.2, residues 75-95): QVLQQNPPKF[Asp85Gly]KIEDMAMLTF